The following is an entry in ClinVar:

ClinVar aggregate classification (germline): Uncertain significance. Review status: criteria provided, multiple submitters, no conflicts (2 of 4 stars). 2 submissions from 2 submitters: Uncertain significance (2). Last evaluated 2024-09-06.

Conditions:
Hereditary cancer-predisposing syndrome. Also called: Neoplastic Syndromes, Hereditary; Tumor predisposition; Hereditary Cancer Syndrome; Hereditary neoplastic syndrome. Identifiers: Orphanet 140162, MedGen C0027672, MeSH D009386, MONDO:0015356.
Oligodontia-cancer predisposition syndrome. Also called: TOOTH AGENESIS-COLORECTAL CANCER SYNDROME. Identifiers: Orphanet 300576, MedGen C1837750, MONDO:0012075, OMIM 608615. Disease mechanism: loss of function.

Allele frequency attached by ClinVar (database versions not stated): gnomAD exomes below 0.00001.
gnomAD v4.1: 1 of 1,614,130 alleles (0.000062%); highest among the groups gnomAD compares: Non-Finnish European, 0.000085%; no homozygotes.

Submissions (2):

Labcorp Genetics (formerly Invitae), Labcorp
Classification: Uncertain significance for Oligodontia-cancer predisposition syndrome. Last evaluated: 2024-09-06. Review status: criteria provided, single submitter. Criteria: Invitae Variant Classification Sherloc (09022015). Collection method: clinical testing. Allele origin: germline.
Comment: This sequence change replaces glycine, which is neutral and non-polar, with arginine, which is basic and polar, at codon 204 of the AXIN2 protein (p.Gly204Arg). This variant is not present in population databases (gnomAD no frequency). This variant has not been reported in the literature in individuals affected with AXIN2-related conditions. ClinVar contains an entry for this variant (Variation ID: 648198). Invitae Evidence Modeling of protein sequence and biophysical properties (such as structural, functional, and spatial information, amino acid conservation, physicochemical variation, residue mobility, and thermodynamic stability) has been performed for this missense variant. However, the output from this modeling did not meet the statistical confidence thresholds required to predict the impact of this variant on AXIN2 protein function. In summary, the available evidence is currently insufficient to determine the role of this variant in disease. Therefore, it has been classified as a Variant of Uncertain Significance.

Ambry Genetics
Classification: Uncertain significance for Hereditary cancer-predisposing syndrome. Last evaluated: 2023-05-02. Review status: criteria provided, single submitter. Criteria: Ambry Variant Classification Scheme 2023. Collection method: clinical testing. Allele origin: germline.
Comment: The p.G204R variant (also known as c.610G>A), located in coding exon 1 of the AXIN2 gene, results from a G to A substitution at nucleotide position 610. The glycine at codon 204 is replaced by arginine, an amino acid with dissimilar properties. This amino acid position is well conserved in available vertebrate species. In addition, the in silico prediction for this alteration is inconclusive. Since supporting evidence is limited at this time, the clinical significance of this alteration remains unclear.

NM_004655.4(AXIN2):c.610G>A (p.Gly204Arg)

Gene: AXIN2 (axin 2; minus strand). Cytogenetic location: 17q24.1.
Variant type: single nucleotide variant.
Coding change: c.610G>A on transcript NM_004655.4 (MANE Select); coding-DNA position 610, G replaced by A.
Protein change: p.Gly204Arg; replaces glycine 204 with arginine.
Molecular consequence: missense variant.
Genome position (GRCh38, 1-based): chr17:65,558,011, C>T on the plus strand (G>A on the coding strand, the complement: AXIN2 is on the minus strand). VCF-style: chr17-65558011-C-T. GRCh37 (hg19) VCF-style: chr17-63554129-C-T.
Other names: c.610G>A (LRG_296t1); c.610G>A, p.Gly204Arg (NM_001363813.1); short protein forms G204R.
Identifiers: ClinVar variation 648198 (VCV000648198.15), dbSNP rs1598119297, ClinGen allele CA400680692.
Genomic context (GRCh38, chr17:65,558,011, plus strand): 5'-AGCCACACACGACCTTTAGGCTCCCGAGTCCCCCATTACTCATGTAAGCTGTGTTTTCTC[C>T]CCCACTCCTCACATATTCGAGGTATATATCAGAAGTCAAAAACATCTGGTAGGCATTTTC-3'
Protein context (NP_004646.3, residues 194-214): DIYLEYVRSG[Gly204Arg]ENTAYMSNGG